The following is an entry in ClinVar:

ClinVar aggregate classification (germline): Uncertain significance. Review status: criteria provided, multiple submitters, no conflicts (2 of 4 stars). 2 submissions from 2 submitters: Uncertain significance (2). Last evaluated 2025-12-29.

Conditions:
Familial thoracic aortic aneurysm and aortic dissection (TAAD). Also called: Thoracic aortic aneurysms and dissections. Identifiers: Orphanet 91387, MedGen C4707243, MONDO:0019625.

Submissions (2):

Center for Genomic Medicine, Rigshospitalet, Copenhagen University Hospital
Classification: Uncertain significance. Last evaluated: 2025-12-29. Review status: criteria provided, single submitter. Criteria: ACMG Guidelines, 2015. Collection method: clinical testing. Allele origin: germline.

Color Diagnostics, LLC DBA Color Health
Classification: Uncertain significance for Familial thoracic aortic aneurysm and aortic dissection. Last evaluated: 2023-12-05. Review status: criteria provided, single submitter. Criteria: ACMG Guidelines, 2015. Collection method: clinical testing. Allele origin: germline.
Comment: This missense variant replaces proline with serine at codon 1224 of the COL3A1 protein. Computational prediction suggests that this variant may not impact protein structure and function (internally defined REVEL score threshold <= 0.5, PMID: 27666373). To our knowledge, functional studies have not been reported for this variant. This variant has not been reported in individuals affected with COL3A1-related disorders in the literature. This variant has not been identified in the general population by the Genome Aggregation Database (gnomAD). The available evidence is insufficient to determine the role of this variant in disease conclusively. Therefore, this variant is classified as a Variant of Uncertain Significance.

NM_000090.4(COL3A1):c.3670C>T (p.Pro1224Ser)

Gene: COL3A1 (collagen type III alpha 1 chain; plus strand). Cytogenetic location: 2q32.2.
Variant type: single nucleotide variant.
Coding change: c.3670C>T on transcript NM_000090.4 (MANE Select); coding-DNA position 3670, C replaced by T.
Protein change: p.Pro1224Ser; replaces proline 1224 with serine.
Molecular consequence: missense variant.
Genome position (GRCh38, 1-based): chr2:189,009,068, C>T. VCF-style: chr2-189009068-C-T. GRCh37 (hg19) VCF-style: chr2-189873794-C-T.
Other names: short protein forms P1224S.
Identifiers: ClinVar variation 2775157 (VCV002775157.3), dbSNP rs2469166205, ClinGen allele CA349847005.